The following is an entry in ClinVar:

ClinVar aggregate classification (germline): Conflicting classifications of pathogenicity. Review status: criteria provided, conflicting classifications (1 of 4 stars). 2 submissions from 2 submitters: Uncertain significance (1); Likely benign (1). Last evaluated 2025-09-09.

Allele frequency attached by ClinVar (database versions not stated): ExAC 0.00001.
gnomAD v4.1: 16 of 1,608,948 alleles (0.00099%); highest among the groups gnomAD compares: African/African-American, 0.019%; no homozygotes.

Submissions (2):

Labcorp Genetics (formerly Invitae), Labcorp
Classification: Likely benign. Last evaluated: 2025-09-09. Review status: criteria provided, single submitter. Criteria: Invitae Variant Classification Sherloc (09022015). Collection method: clinical testing. Allele origin: germline.

Women's Health and Genetics/Laboratory Corporation of America, LabCorp
Classification: Uncertain significance. Last evaluated: 2023-08-04. Review status: criteria provided, single submitter. Criteria: LabCorp Variant Classification Summary - May 2015. Collection method: clinical testing. Allele origin: germline.
Comment: Variant summary: TUBB1 c.166+14G>C alters a non-conserved nucleotide located close to a canonical splice site and therefore could affect mRNA splicing, leading to a significantly altered protein sequence. Computational tools predict no significant impact on normal splicing. However, these predictions have yet to be confirmed by functional studies. The variant allele was found at a frequency of 1.2e-05 in 249244 control chromosomes (gnomAD). The available data on variant occurrences in the general population are insufficient to allow any conclusion about variant significance. To our knowledge, no occurrence of c.166+14G>C in individuals affected with TUBB1-Related Autosomal Dominant Macrothrombocytopenia and no experimental evidence demonstrating its impact on protein function have been reported. No submitters have cited clinical-significance assessments for this variant to ClinVar after 2014. Based on the evidence outlined above, the variant was classified as uncertain significance.

NM_030773.4(TUBB1):c.166+14G>C

Gene: TUBB1 (tubulin beta 1 class VI; plus strand). Cytogenetic location: 20q13.32.
Variant type: single nucleotide variant.
Coding change: c.166+14G>C on transcript NM_030773.4 (MANE Select); 14 bases into the intron after coding-DNA position 166, G replaced by C.
Molecular consequence: intron variant.
Genome position (GRCh38, 1-based): chr20:59,022,967, G>C. VCF-style: chr20-59022967-G-C. GRCh37 (hg19) VCF-style: chr20-57598022-G-C.
Identifiers: ClinVar variation 2581495 (VCV002581495.2), dbSNP rs374303737, ClinGen allele CA9928390.
Genomic context (GRCh38, chr20:59,022,967, plus strand): 5'-GGCCTTGCAGCTGGAGAGAATCAGCGTGTACTACAACGAAGCCTACGGTAGGACTGGCGG[G>C]GCTCTGGGAGCAGTGGTCCCGCAACTGGGAACACAAGCAGAGGAAGGGCAGAGGCCCAGG-3'